The following is an entry in ClinVar:

NM_015602.4(TOR1AIP1):c.281C>G (p.Ser94Cys)

Genes: TOR1AIP1 (torsin 1A interacting protein 1; plus strand), LOC112577517 (Sharpr-MPRA regulatory region 13766; plus strand). Cytogenetic location: 1q25.2.
Variant type: single nucleotide variant.
Coding change: c.281C>G on transcript NM_015602.4 (MANE Select); coding-DNA position 281, C replaced by G.
Protein change: p.Ser94Cys; replaces serine 94 with cysteine.
Molecular consequence: missense variant.
Genome position (GRCh38, 1-based): chr1:179,882,783, C>G. VCF-style: chr1-179882783-C-G. GRCh37 (hg19) VCF-style: chr1-179851918-C-G.
Other names: c.281C>G, p.Ser94Cys (NM_001267578.2); c.281C>G (NM_015602.2); short protein forms S94C.
Identifiers: ClinVar variation 476282 (VCV000476282.8), dbSNP rs780616161, ClinGen allele CA1268704.

ClinVar aggregate classification (germline): Uncertain significance. Review status: criteria provided, multiple submitters, no conflicts (2 of 4 stars). 2 submissions from 2 submitters: Uncertain significance (2). Last evaluated 2025-06-10.

Conditions:
Autosomal recessive limb-girdle muscular dystrophy type 2Y (MRRSDC). Also called: Muscular dystrophy, limb-girdle, type 2y; Muscular dystrophy, autosomal recessive, with rigid spine and distal joint contractures. Identifiers: Orphanet 424261, MedGen C4511482, MONDO:0014900, OMIM 617072.
Inborn genetic diseases. Identifiers: MedGen C0950123, MeSH D030342.

Allele frequency attached by ClinVar (database versions not stated): gnomAD exomes 0.00018 and 0.00004; ExAC 0.00004; TOPMed 0.00005; gnomAD 0.00007.
gnomAD v4.1: 269 of 1,614,096 alleles (0.017%); highest among the groups gnomAD compares: Non-Finnish European, 0.023%; no homozygotes.

Submissions (2):

Ambry Genetics
Classification: Uncertain significance for Inborn genetic diseases. Last evaluated: 2025-06-10. Review status: criteria provided, single submitter. Criteria: Ambry Variant Classification Scheme 2023. Collection method: clinical testing. Allele origin: germline.

Labcorp Genetics (formerly Invitae), Labcorp
Classification: Uncertain significance for Autosomal recessive limb-girdle muscular dystrophy type 2Y. Last evaluated: 2022-10-05. Review status: criteria provided, single submitter. Criteria: Invitae Variant Classification Sherloc (09022015). Collection method: clinical testing. Allele origin: germline.
Comment: This variant has not been reported in the literature in individuals affected with TOR1AIP1-related conditions. This variant is present in population databases (rs780616161, gnomAD 0.007%). This sequence change replaces serine, which is neutral and polar, with cysteine, which is neutral and slightly polar, at codon 94 of the TOR1AIP1 protein (p.Ser94Cys). ClinVar contains an entry for this variant (Variation ID: 476282). In summary, the available evidence is currently insufficient to determine the role of this variant in disease. Therefore, it has been classified as a Variant of Uncertain Significance. Algorithms developed to predict the effect of missense changes on protein structure and function are either unavailable or do not agree on the potential impact of this missense change (SIFT: "Tolerated"; PolyPhen-2: "Probably Damaging"; Align-GVGD: "Class C0").